The following is an entry in ClinVar:

ClinVar aggregate classification (germline): Uncertain significance. Review status: criteria provided, multiple submitters, no conflicts (2 of 4 stars). 2 submissions from 2 submitters: Uncertain significance (2). Last evaluated 2025-11-10.

Conditions:
Inborn genetic diseases. Identifiers: MedGen C0950123, MeSH D030342.

Allele frequency attached by ClinVar (database versions not stated): gnomAD 0.00003 and 0.00004; TOPMed 0.00006; gnomAD exomes 0.00008 and 0.00010; ExAC 0.00014.
gnomAD v4.1: 117 of 1,610,468 alleles (0.0073%); highest among the groups gnomAD compares: South Asian, 0.055%; 1 homozygote.

Submissions (2):

Labcorp Genetics (formerly Invitae), Labcorp
Classification: Uncertain significance. Last evaluated: 2025-11-10. Review status: criteria provided, single submitter. Criteria: Invitae Variant Classification Sherloc (09022015). Collection method: clinical testing. Allele origin: germline.
Comment: This sequence change replaces aspartic acid, which is acidic and polar, with asparagine, which is neutral and polar, at codon 580 of the DDX58 protein (p.Asp580Asn). This variant is present in population databases (rs763777619, gnomAD 0.05%), and has an allele count higher than expected for a pathogenic variant. This variant has not been reported in the literature in individuals affected with DDX58-related conditions. ClinVar contains an entry for this variant (Variation ID: 1005244). Invitae Evidence Modeling of protein sequence and biophysical properties (such as structural, functional, and spatial information, amino acid conservation, physicochemical variation, residue mobility, and thermodynamic stability) indicates that this missense variant is not expected to disrupt DDX58 protein function with a negative predictive value of 80%. In summary, the available evidence is currently insufficient to determine the role of this variant in disease. Therefore, it has been classified as a Variant of Uncertain Significance.

Ambry Genetics
Classification: Uncertain significance for Inborn genetic diseases. Last evaluated: 2025-06-07. Review status: criteria provided, single submitter. Criteria: Ambry Variant Classification Scheme 2023. Collection method: clinical testing. Allele origin: germline.

NM_014314.4(RIGI):c.1738G>A (p.Asp580Asn)

Gene: RIGI (RNA sensor RIG-I; minus strand). Cytogenetic location: 9p21.1.
Variant type: single nucleotide variant.
Coding change: c.1738G>A on transcript NM_014314.4 (MANE Select); coding-DNA position 1738, G replaced by A.
Protein change: p.Asp580Asn; replaces aspartic acid 580 with asparagine.
Molecular consequence: missense variant.
Genome position (GRCh38, 1-based): chr9:32,480,255, C>T on the plus strand (G>A on the coding strand, the complement: RIGI is on the minus strand). VCF-style: chr9-32480255-C-T. GRCh37 (hg19) VCF-style: chr9-32480253-C-T.
Other names: c.1732G>A, p.Asp578Asn (NM_001385907.1); c.1738G>A, p.Asp580Asn (NM_001385909.1); c.1297G>A, p.Asp433Asn (NM_001385910.1); c.1129G>A, p.Asp377Asn (NM_001385912.1); c.1723G>A, p.Asp575Asn (NM_001385913.1); c.1294G>A, p.Asp432Asn (NM_001385914.1); c.1738G>A (NM_014314.3); short protein forms D377N, D432N, D433N, D575N, D578N, D580N.
Identifiers: ClinVar variation 1005244 (VCV001005244.10), dbSNP rs763777619, ClinGen allele CA5019707.